The following is an entry in ClinVar:

ClinVar aggregate classification (germline): Conflicting classifications of pathogenicity. Review status: criteria provided, conflicting classifications (1 of 4 stars). 3 submissions from 3 submitters: Uncertain significance (1); Likely benign (1). 1 of the submissions does not count toward it. Last evaluated 2025-12-18.

Allele frequency attached by ClinVar (database versions not stated): ExAC 0.00006; gnomAD 0.00007 and 0.00009; ESP Exome Variant Server 0.00008; gnomAD exomes 0.00008; TOPMed 0.00011; 1000 Genomes Project 30x 0.00016; 1000 Genomes Project 0.00020.
gnomAD v4.1: 326 of 1,613,294 alleles (0.02%); highest among the groups gnomAD compares: Non-Finnish European, 0.025%; no homozygotes.

Submissions (3):

Labcorp Genetics (formerly Invitae), Labcorp
Classification: Likely benign. Last evaluated: 2025-12-18. Review status: criteria provided, single submitter. Criteria: Invitae Variant Classification Sherloc (09022015). Collection method: clinical testing. Allele origin: germline.

CeGaT Center for Human Genetics Tuebingen
Classification: Uncertain significance. Last evaluated: 2023-01-01. Review status: criteria provided, single submitter. Criteria: CeGaT Center For Human Genetics Tuebingen Variant Classification Criteria Version 2. Collection method: clinical testing. Allele origin: germline. Affected: yes. Observed: 1 variant allele.

ITMI
No classification provided. Condition: AllHighlyPenetrant. Last evaluated: 2013-09-19. Review status: no classification provided. Collection method: reference population. Allele origin: germline. Not counted in ClinVar's aggregate classification.
Comment: Please see associated publication for description of ethnicities

Literature cited by the submitters: PubMed 24728327 (cited by ITMI).

NM_005157.6(ABL1):c.2350C>G (p.Pro784Ala)

Gene: ABL1 (ABL proto-oncogene 1, non-receptor tyrosine kinase; plus strand). Cytogenetic location: 9q34.12.
Variant type: single nucleotide variant.
Coding change: c.2350C>G on transcript NM_005157.6 (MANE Select); coding-DNA position 2350, C replaced by G.
Protein change: p.Pro784Ala; replaces proline 784 with alanine.
Molecular consequence: missense variant.
Genome position (GRCh38, 1-based): chr9:130,884,640, C>G. VCF-style: chr9-130884640-C-G. GRCh37 (hg19) VCF-style: chr9-133760027-C-G.
Other names: c.2407C>G, p.Pro803Ala (NM_007313.3); short protein forms P784A, P803A.
Identifiers: ClinVar variation 133438 (VCV000133438.29), dbSNP rs201376463, ClinGen allele CA156524.